The following is an entry in ClinVar:

NM_003803.4(MYOM1):c.2607C>A (p.Phe869Leu)

Gene: MYOM1 (myomesin 1; minus strand). Cytogenetic location: 18p11.31.
Variant type: single nucleotide variant.
Coding change: c.2607C>A on transcript NM_003803.4 (MANE Select); coding-DNA position 2607, C replaced by A.
Protein change: p.Phe869Leu; replaces phenylalanine 869 with leucine.
Molecular consequence: missense variant. On other transcripts: intron variant (1).
Genome position (GRCh38, 1-based): chr18:3,129,419, G>T on the plus strand (C>A on the coding strand, the complement: MYOM1 is on the minus strand). VCF-style: chr18-3129419-G-T. GRCh37 (hg19) VCF-style: chr18-3129417-G-T.
Other names: c.2506+1956C>A (NM_019856.2); short protein forms F869L.
Identifiers: ClinVar variation 3223555 (VCV003223555.3), dbSNP rs1555620828, ClinGen allele CA401710196.

ClinVar aggregate classification (germline): Uncertain significance. Review status: criteria provided, multiple submitters, no conflicts (2 of 4 stars). 2 submissions from 2 submitters: Uncertain significance (2). Last evaluated 2024-06-18.

Conditions:
Hypertrophic cardiomyopathy. Also called: HYPERTROPHIC MYOCARDIOPATHY. Identifiers: Orphanet 217569, MedGen C0007194, MeSH D002312, MONDO:0005045, HP:0001639.

Submissions (2):

Labcorp Genetics (formerly Invitae), Labcorp
Classification: Uncertain significance for Hypertrophic cardiomyopathy. Last evaluated: 2024-06-18. Review status: criteria provided, single submitter. Criteria: Invitae Variant Classification Sherloc (09022015). Collection method: clinical testing. Allele origin: germline.
Comment: This sequence change replaces phenylalanine, which is neutral and non-polar, with leucine, which is neutral and non-polar, at codon 869 of the MYOM1 protein (p.Phe869Leu). This variant is not present in population databases (gnomAD no frequency). This variant has not been reported in the literature in individuals affected with MYOM1-related conditions. An algorithm developed to predict the effect of missense changes on protein structure and function (PolyPhen-2) suggests that this variant is likely to be tolerated. In summary, the available evidence is currently insufficient to determine the role of this variant in disease. Therefore, it has been classified as a Variant of Uncertain Significance.

Ambry Genetics
Classification: Uncertain significance. Last evaluated: 2023-12-21. Review status: criteria provided, single submitter. Criteria: Ambry Variant Classification Scheme 2023. Collection method: clinical testing. Allele origin: germline.
Comment: The p.F869L variant (also known as c.2607C>A), located in coding exon 17 of the MYOM1 gene, results from a C to A substitution at nucleotide position 2607. The phenylalanine at codon 869 is replaced by leucine, an amino acid with highly similar properties. This amino acid position is conserved. In addition, this alteration is predicted to be tolerated by in silico analysis. Since supporting evidence is limited at this time, the clinical significance of this alteration remains unclear.